The following is an entry in ClinVar:

ClinVar aggregate classification (germline): Uncertain significance (1 of 4 stars; one submission).

Submission:

Labcorp Genetics (formerly Invitae), Labcorp
Classification: Uncertain significance. Last evaluated: 2025-08-25. Review status: criteria provided, single submitter. Criteria: Invitae Variant Classification Sherloc (09022015). Collection method: clinical testing. Allele origin: germline.
Comment: This sequence change replaces threonine, which is neutral and polar, with alanine, which is neutral and non-polar, at codon 551 of the FNIP1 protein (p.Thr551Ala). This variant is not present in population databases (gnomAD no frequency). This variant has not been reported in the literature in individuals affected with FNIP1-related conditions. An algorithm developed to predict the effect of missense changes on protein structure and function (PolyPhen-2) suggests that this variant is likely to be disruptive. In summary, the available evidence is currently insufficient to determine the role of this variant in disease. Therefore, it has been classified as a Variant of Uncertain Significance.

NM_133372.3(FNIP1):c.1651A>G (p.Thr551Ala)

Gene: FNIP1 (folliculin interacting protein 1; minus strand). Cytogenetic location: 5q31.1.
Variant type: single nucleotide variant.
Coding change: c.1651A>G on transcript NM_133372.3 (MANE Select); coding-DNA position 1651, A replaced by G.
Protein change: p.Thr551Ala; replaces threonine 551 with alanine.
Molecular consequence: missense variant.
Genome position (GRCh38, 1-based): chr5:131,672,793, T>C on the plus strand (A>G on the coding strand, the complement: FNIP1 is on the minus strand). VCF-style: chr5-131672793-T-C. GRCh37 (hg19) VCF-style: chr5-131008486-T-C.
Other names: c.1567A>G, p.Thr523Ala (NM_001008738.3); c.1516A>G, p.Thr506Ala (NM_001346114.2); short protein forms T551A, T506A, T523A.
Identifiers: ClinVar variation 4748306 (VCV004748306.1).